The following is an entry in ClinVar:

ClinVar aggregate classification (germline): Uncertain significance. Review status: criteria provided, multiple submitters, no conflicts (2 of 4 stars). 2 submissions from 2 submitters: Uncertain significance (2). Last evaluated 2025-06-30.

Conditions:
Inborn genetic diseases. Identifiers: MedGen C0950123, MeSH D030342.

Allele frequency attached by ClinVar (database versions not stated): gnomAD exomes 0.00002.
gnomAD v4.1: 16 of 1,201,125 alleles (0.0013%); highest among the groups gnomAD compares: Non-Finnish European, 0.0018%; no homozygotes.

Submissions (2):

Labcorp Genetics (formerly Invitae), Labcorp
Classification: Uncertain significance. Last evaluated: 2025-06-30. Review status: criteria provided, single submitter. Criteria: Invitae Variant Classification Sherloc (09022015). Collection method: clinical testing. Allele origin: germline.
Comment: This sequence change replaces threonine, which is neutral and polar, with methionine, which is neutral and non-polar, at codon 1256 of the CACNA1F protein (p.Thr1256Met). This variant is not present in population databases (gnomAD no frequency). This variant has not been reported in the literature in individuals affected with CACNA1F-related conditions. ClinVar contains an entry for this variant (Variation ID: 2341333). Invitae Evidence Modeling of protein sequence and biophysical properties (such as structural, functional, and spatial information, amino acid conservation, physicochemical variation, residue mobility, and thermodynamic stability) indicates that this missense variant is not expected to disrupt CACNA1F protein function with a negative predictive value of 80%. In summary, the available evidence is currently insufficient to determine the role of this variant in disease. Therefore, it has been classified as a Variant of Uncertain Significance.

Ambry Genetics
Classification: Uncertain significance for Inborn genetic diseases. Last evaluated: 2021-08-04. Review status: criteria provided, single submitter. Criteria: Ambry Variant Classification Scheme 2023. Collection method: clinical testing. Allele origin: germline.

NM_001256789.3(CACNA1F):c.3734C>T (p.Thr1245Met)

Gene: CACNA1F (calcium voltage-gated channel subunit alpha1 F; minus strand). Cytogenetic location: Xp11.23.
Variant type: single nucleotide variant.
Coding change: c.3734C>T on transcript NM_001256789.3 (MANE Select); coding-DNA position 3734, C replaced by T.
Protein change: p.Thr1245Met; replaces threonine 1245 with methionine.
Molecular consequence: missense variant.
Genome position (GRCh38, 1-based): chrX:49,213,877, G>A on the plus strand (C>T on the coding strand, the complement: CACNA1F is on the minus strand). VCF-style: chrX-49213877-G-A. GRCh37 (hg19) VCF-style: chrX-49070337-G-A.
Other names: c.3572C>T, p.Thr1191Met (NM_001256790.3); c.3767C>T, p.Thr1256Met (NM_005183.4); short protein forms T1245M, T1256M, T1191M.
Identifiers: ClinVar variation 2341333 (VCV002341333.3), dbSNP rs2520842409, ClinGen allele CA412962670.